The following is an entry in ClinVar:

ClinVar aggregate classification (germline): Uncertain significance (1 of 4 stars; one submission).

Conditions:
Familial sleep-related hypermotor epilepsy. Also called: Autosomal Dominant Sleep-Related Hypermotor (Hyperkinetic) Epilepsy. Identifiers: Orphanet 98784, MedGen C3696898, MONDO:0000030.

Allele frequency attached by ClinVar (database versions not stated): gnomAD exomes below 0.00001; TOPMed 0.00001.
gnomAD v4.1: 3 of 1,515,960 alleles (0.0002%); highest among the groups gnomAD compares: South Asian, 0.0013%; no homozygotes.

Submission:

Labcorp Genetics (formerly Invitae), Labcorp
Classification: Uncertain significance for Familial sleep-related hypermotor epilepsy. Last evaluated: 2022-08-12. Review status: criteria provided, single submitter. Criteria: Invitae Variant Classification Sherloc (09022015). Collection method: clinical testing. Allele origin: germline.
Comment: In summary, the available evidence is currently insufficient to determine the role of this variant in disease. Therefore, it has been classified as a Variant of Uncertain Significance. Algorithms developed to predict the effect of missense changes on protein structure and function are either unavailable or do not agree on the potential impact of this missense change (SIFT: "Deleterious"; PolyPhen-2: "Benign"; Align-GVGD: "Class C35"). ClinVar contains an entry for this variant (Variation ID: 542927). This variant has not been reported in the literature in individuals affected with PRIMA1-related conditions. This variant is not present in population databases (gnomAD no frequency). This sequence change replaces arginine, which is basic and polar, with glutamine, which is neutral and polar, at codon 55 of the PRIMA1 protein (p.Arg55Gln).

NM_178013.4(PRIMA1):c.164G>A (p.Arg55Gln)

Gene: PRIMA1 (proline rich membrane anchor 1; minus strand). Cytogenetic location: 14q32.12.
Variant type: single nucleotide variant.
Coding change: c.164G>A on transcript NM_178013.4 (MANE Select); coding-DNA position 164, G replaced by A.
Protein change: p.Arg55Gln; replaces arginine 55 with glutamine.
Molecular consequence: missense variant.
Genome position (GRCh38, 1-based): chr14:93,779,241, C>T on the plus strand (G>A on the coding strand, the complement: PRIMA1 is on the minus strand). VCF-style: chr14-93779241-C-T. GRCh37 (hg19) VCF-style: chr14-94245587-C-T.
Other names: short protein forms R55Q.
Identifiers: ClinVar variation 542927 (VCV000542927.9), dbSNP rs1221627092, ClinGen allele CA391145861.